The following is an entry in ClinVar:

ClinVar aggregate classification (germline): Uncertain significance. Review status: criteria provided, multiple submitters, no conflicts (2 of 4 stars). 3 submissions from 3 submitters: Uncertain significance (3). Last evaluated 2025-11-24.

Conditions:
Familial thoracic aortic aneurysm and aortic dissection (TAAD). Also called: Thoracic aortic aneurysms and dissections. Identifiers: Orphanet 91387, MedGen C4707243, MONDO:0019625.
Rienhoff syndrome. Also called: LOEYS-DIETZ SYNDROME 5. Identifiers: MedGen C3810012, MONDO:0014262, OMIM 615582.

Allele frequency attached by ClinVar (database versions not stated): gnomAD exomes below 0.00001; TOPMed below 0.00001; gnomAD 0.00001.

Submissions (3):

Ambry Genetics
Classification: Uncertain significance for Familial thoracic aortic aneurysm and aortic dissection. Last evaluated: 2025-11-24. Review status: criteria provided, single submitter. Criteria: Ambry Variant Classification Scheme 2023. Collection method: clinical testing. Allele origin: germline.
Comment: The p.E244K variant (also known as c.730G>A), located in coding exon 4 of the TGFB3 gene, results from a G to A substitution at nucleotide position 730. The glutamic acid at codon 244 is replaced by lysine, an amino acid with similar properties. This variant was reported in individual(s) with features consistent with Loeys-Dietz syndrome (Abdelhadi N et al. Cureus, 2021 Sep;13:e17780; Ambry internal data). This amino acid position is highly conserved in available vertebrate species. In addition, this alteration is predicted to be deleterious by in silico analysis. Based on the available evidence, the clinical significance of this variant remains unclear.

GeneDx
Classification: Uncertain significance. Last evaluated: 2025-04-17. Review status: criteria provided, single submitter. Criteria: GeneDx Variant Classification Process June 2021. Collection method: clinical testing. Allele origin: germline. Affected: yes.
Comment: Identified in patients with features of LDS, including characteristic facial features, joint laxity, vertebral artery dissection, and arterial tortuosity, referred for genetic testing at GeneDx and in published literature (PMID: 34659991); Not observed at significant frequency in large population cohorts (gnomAD); In silico analysis supports that this missense variant does not alter protein structure/function; This variant is associated with the following publications: (PMID: 34659991)

Labcorp Genetics (formerly Invitae), Labcorp
Classification: Uncertain significance for Rienhoff syndrome. Last evaluated: 2024-03-27. Review status: criteria provided, single submitter. Criteria: Invitae Variant Classification Sherloc (09022015). Collection method: clinical testing. Allele origin: germline.
Comment: This sequence change replaces glutamic acid, which is acidic and polar, with lysine, which is basic and polar, at codon 244 of the TGFB3 protein (p.Glu244Lys). This variant is not present in population databases (gnomAD no frequency). This missense change has been observed in individual(s) with Loeys-Dietz syndrome (PMID: 34659991). ClinVar contains an entry for this variant (Variation ID: 426708). An algorithm developed to predict the effect of missense changes on protein structure and function (PolyPhen-2) suggests that this variant is likely to be disruptive. In summary, the available evidence is currently insufficient to determine the role of this variant in disease. Therefore, it has been classified as a Variant of Uncertain Significance.

Literature cited by the submitters: PubMed 34659991 (cited by Ambry Genetics and Labcorp Genetics (formerly Invitae), Labcorp).

NM_003239.5(TGFB3):c.730G>A (p.Glu244Lys)

Gene: TGFB3 (transforming growth factor beta 3; minus strand). Cytogenetic location: 14q24.3.
Variant type: single nucleotide variant.
Coding change: c.730G>A on transcript NM_003239.5 (MANE Select); coding-DNA position 730, G replaced by A.
Protein change: p.Glu244Lys; replaces glutamic acid 244 with lysine.
Molecular consequence: missense variant.
Genome position (GRCh38, 1-based): chr14:75,965,612, C>T on the plus strand (G>A on the coding strand, the complement: TGFB3 is on the minus strand). VCF-style: chr14-75965612-C-T. GRCh37 (hg19) VCF-style: chr14-76431955-C-T.
Other names: c.730G>A, p.Glu244Lys (NM_001329938.2, NM_001329939.2); short protein forms E244K.
Identifiers: ClinVar variation 426708 (VCV000426708.21), dbSNP rs1085307755, ClinGen allele CA390468854.